The following is an entry in ClinVar:

NM_000455.5(STK11):c.1150C>T (p.Arg384Trp)

Gene: STK11 (serine/threonine kinase 11; plus strand). Cytogenetic location: 19p13.3.
Variant type: single nucleotide variant.
Coding change: c.1150C>T on transcript NM_000455.5 (MANE Select); coding-DNA position 1150, C replaced by T.
Protein change: p.Arg384Trp; replaces arginine 384 with tryptophan.
Molecular consequence: missense variant.
Genome position (GRCh38, 1-based): chr19:1,226,495, C>T. VCF-style: chr19-1226495-C-T. GRCh37 (hg19) VCF-style: chr19-1226494-C-T.
Other names: short protein forms R384W.
Identifiers: ClinVar variation 234419 (VCV000234419.29), dbSNP rs752015385, ClinGen allele CA045625.

ClinVar aggregate classification (germline): Conflicting classifications of pathogenicity. Review status: criteria provided, conflicting classifications (1 of 4 stars). 11 submissions from 11 submitters: Uncertain significance (5); Likely benign (3). 3 of the submissions do not count toward it. Last evaluated 2025-12-24.

Conditions:
STK11-related disorder. Also called: STK11-related condition.
Hereditary cancer-predisposing syndrome. Also called: Neoplastic Syndromes, Hereditary; Hereditary neoplastic syndrome; Hereditary Cancer Syndrome; Tumor predisposition. Identifiers: Orphanet 140162, MedGen C0027672, MeSH D009386, MONDO:0015356.
Peutz-Jeghers syndrome (PJS). Also called: Peutz-Jeghers polyposis; Periorificial lentiginosis syndrome; POLYPOSIS, HAMARTOMATOUS INTESTINAL; POLYPS-AND-SPOTS SYNDROME. Identifiers: Orphanet 2869, MedGen C0031269, MeSH D010580, MONDO:0008280, OMIM 175200.
Malignant tumor of breast. Also called: Malignant breast neoplasm; Cancer breast. Identifiers: MedGen C0006142, MONDO:0007254. Disease mechanism: loss of function.

Allele frequency attached by ClinVar (database versions not stated): gnomAD 0.00001; TOPMed 0.00001; ExAC 0.00002; gnomAD exomes 0.00002.
gnomAD v4.1: 38 of 1,611,100 alleles (0.0024%); highest among the groups gnomAD compares: Middle Eastern, 0.017%; no homozygotes.

Submissions (11):

Labcorp Genetics (formerly Invitae), Labcorp
Classification: Likely benign for Peutz-Jeghers syndrome. Last evaluated: 2025-12-24. Review status: criteria provided, single submitter. Criteria: Invitae Variant Classification Sherloc (09022015). Collection method: clinical testing. Allele origin: germline.

PreventionGenetics, part of Exact Sciences
Classification: Uncertain significance for STK11-related condition. Last evaluated: 2025-09-05. Review status: criteria provided, single submitter. Criteria: ACMG Guidelines, 2015. Collection method: clinical testing. Allele origin: germline.
Comment: The STK11 c.1150C>T variant is predicted to result in the amino acid substitution p.Arg384Trp. This variant has been reported in an individual with colorectal cancer and an individual with multiple myeloma (Table S2, Helgadottir et al. 2021. PubMed ID: 33729574; Kakoo et al. 2022. PubMed ID: 35002457). This variant is reported in 4 of ~241,000 alleles in gnomAD and has conflicting interpretations of uncertain and likely benign in ClinVar (Variation ID: 234419). At this time, the clinical significance of this variant is uncertain due to the absence of conclusive functional and genetic evidence.

Color Diagnostics, LLC DBA Color Health
Classification: Likely benign for Hereditary cancer-predisposing syndrome. Last evaluated: 2024-11-04. Review status: criteria provided, single submitter. Criteria: ACMG Guidelines, 2015. Collection method: clinical testing. Allele origin: germline.

All of Us Research Program, National Institutes of Health
Classification: Uncertain significance for Peutz-Jeghers syndrome. Last evaluated: 2024-09-23. Review status: criteria provided, single submitter. Criteria: ACMG Guidelines, 2015. Collection method: clinical testing. Allele origin: germline. Inheritance: Autosomal dominant inheritance. Observed: 6 variant alleles, 6 heterozygotes.
Comment: This missense variant replaces arginine with tryptophan at codon 384 of the STK11 protein. Computational prediction suggests that this variant may not impact protein structure and function (internally defined REVEL score threshold <= 0.5, PMID: 27666373). To our knowledge, functional studies have not been reported for this variant. This variant has not been reported in individuals affected with STK11-related disorders in the literature. This variant has been identified in 4/241084 chromosomes in the general population by the Genome Aggregation Database (gnomAD). The available evidence is insufficient to determine the role of this variant in disease conclusively. Therefore, this variant is classified as a Variant of Uncertain Significance.

This study involves interpretation of variants in research participants for the purpose of population health screening. Participant phenotype was not available at the time of variant classification. Additional details can be found in publication PMID: 35346344, PMCID: PMC8962531

Myriad Genetics, Inc.
Classification: Uncertain significance for Peutz-Jeghers syndrome. Last evaluated: 2023-04-12. Review status: criteria provided, single submitter. Criteria: Myriad Autosomal Dominant, Autosomal Recessive and X-Linked Classification Criteria (2023). Collection method: clinical testing. Allele origin: unknown.
Comment: This variant is classified as a variant of uncertain significance as there is insufficient evidence to determine its impact on protein function and/or cancer risk.

Genome-Nilou Lab
Classification: Uncertain significance for Peutz-Jeghers syndrome. Last evaluated: 2021-07-15. Review status: criteria provided, single submitter. Criteria: ACMG Guidelines, 2015. Collection method: clinical testing. Allele origin: germline. Affected: no.

Ambry Genetics
Classification: Likely benign for Hereditary cancer-predisposing syndrome. Last evaluated: 2020-09-02. Review status: criteria provided, single submitter. Criteria: Ambry Variant Classification Scheme 2023. Collection method: clinical testing. Allele origin: germline.

GeneDx
Classification: Uncertain significance. Last evaluated: 2017-02-06. Review status: criteria provided, single submitter. Criteria: GeneDx Variant Classification (06012015). Collection method: clinical testing. Allele origin: germline. Affected: yes.
Comment: This variant is denoted STK11 c.1150C>T at the cDNA level, p.Arg384Trp (R384W) at the protein level, and results in the change of an Arginine to a Tryptophan (CGG>TGG). This variant has not, to our knowledge, been published in the literature as pathogenic or benign. STK11 Arg384Trp was not observed in approximately 6,500 individuals of European and African American ancestry in the NHLBI Exome Sequencing Project, indicating it is not a common benign variant in these populations. Since Arginine and Tryptophan differ in polarity, charge, size or other properties, this is considered a non-conservative amino acid substitution. STK11 Arg384Trp occurs at a position that is not conserved across species and is not located in a known functional domain (Hearle 2006, UniProt). In silico analyses are inconsistent regarding the effect this variant may have on protein structure and function. Based on currently available information, it is unclear whether STK11 Arg384Trp is pathogenic or benign. We consider it to be a variant of uncertain significance.

True Health Diagnostics
Classification: Uncertain significance for Hereditary cancer-predisposing syndrome. Last evaluated: 2018-10-04. Review status: no assertion criteria provided. Collection method: clinical testing. Allele origin: germline. Not counted in ClinVar's aggregate classification.

Counsyl
Classification: Uncertain significance for Peutz-Jeghers syndrome. Last evaluated: 2017-06-13. Review status: no assertion criteria provided. Collection method: clinical testing. Allele origin: unknown. Not counted in ClinVar's aggregate classification.

Department of Pathology and Laboratory Medicine, Sinai Health System
Classification: Uncertain significance for Malignant tumor of breast. Review status: no assertion criteria provided. Collection method: clinical testing. Allele origin: unknown. Affected: yes. Study: The Canadian Open Genetics Repository (COGR). Not counted in ClinVar's aggregate classification.
Comment: The STK11 p.Arg384Trp variant was identified in the literature although a frequency in an affected population was not provided (Cheng 2015). The variant was also identified in dbSNP as â€šÃ„Ãºwith Uncertain significance alleleâ€šÃ„Ã¹. The variant was not identified in ClinVar or LOVD 3.0. The variant was identified in control databases in 1 of 30920 chromosomes at a frequency of 0.00003 (Genome Aggregation Database Feb 27, 2017). The variant was observed in the African population in 1 of 8702 chromosomes (freq: 0.0001), while the variant was not observed in the European, Other, Latino, Ashkenazi Jewish, East Asian, Finnish, or South Asian populations. The p.Arg384 residue is not conserved in mammals and computational analyses (PolyPhen-2, SIFT, AlignGVGD, BLOSUM, MutationTaster) provide inconsistent predictions regarding the impact to the protein; this information is not very predictive of pathogenicity. The variant occurs outside of the splicing consensus sequence and in silico or computational prediction software programs (SpliceSiteFinder, MaxEntScan, NNSPLICE, GeneSplicer) do not predict a difference in splicing. In summary, based on the above information, the clinical significance of this variant cannot be determined with certainty at this time. This variant is classified as a variant of uncertain significance.